The following is an entry in ClinVar:

ClinVar aggregate classification (germline): Uncertain significance. Review status: criteria provided, multiple submitters, no conflicts (2 of 4 stars). 2 submissions from 2 submitters: Uncertain significance (2). Last evaluated 2024-04-25.

Conditions:
Microphthalmia with brain and digit anomalies (MCOPS6). Also called: Microphthalmia, syndromic 6; MICROPHTHALMIA AND PITUITARY ANOMALIES. Identifiers: Orphanet 139471, MedGen C1864689, MONDO:0011936, OMIM 607932.
Orofacial cleft 11 (OFC11). Also called: CLEFT LIP WITH OR WITHOUT CLEFT PALATE, NONSYNDROMIC, 11; Orofacial cleft 11; ofc11. Identifiers: MedGen C2677434, MONDO:0010906, OMIM 600625.

Allele frequency attached by ClinVar (database versions not stated): ExAC 0.00001; gnomAD exomes 0.00001; TOPMed 0.00002.

Submissions (2):

Fulgent Genetics
Classification: Uncertain significance for Orofacial cleft 11; Microphthalmia with brain and digit anomalies. Last evaluated: 2024-04-25. Review status: criteria provided, single submitter. Criteria: ACMG Guidelines, 2015. Collection method: clinical testing. Allele origin: germline.

Labcorp Genetics (formerly Invitae), Labcorp
Classification: Uncertain significance for Microphthalmia with brain and digit anomalies; Orofacial cleft 11. Last evaluated: 2022-03-18. Review status: criteria provided, single submitter. Criteria: Invitae Variant Classification Sherloc (09022015). Collection method: clinical testing. Allele origin: germline.
Comment: In summary, the available evidence is currently insufficient to determine the role of this variant in disease. Therefore, it has been classified as a Variant of Uncertain Significance. This sequence change replaces arginine, which is basic and polar, with tryptophan, which is neutral and slightly polar, at codon 162 of the BMP4 protein (p.Arg162Trp). The frequency data for this variant in the population databases is considered unreliable, as metrics indicate poor data quality at this position in the gnomAD database. This variant has not been reported in the literature in individuals affected with BMP4-related conditions. Algorithms developed to predict the effect of missense changes on protein structure and function are either unavailable or do not agree on the potential impact of this missense change (SIFT: "Deleterious"; PolyPhen-2: "Benign"; Align-GVGD: "Class C65").

NM_001202.6(BMP4):c.484C>T (p.Arg162Trp)

Gene: BMP4 (bone morphogenetic protein 4; minus strand). Cytogenetic location: 14q22.2.
Variant type: single nucleotide variant.
Coding change: c.484C>T on transcript NM_001202.6 (MANE Select); coding-DNA position 484, C replaced by T.
Protein change: p.Arg162Trp; replaces arginine 162 with tryptophan.
Molecular consequence: missense variant.
Genome position (GRCh38, 1-based): chr14:53,950,775, G>A on the plus strand (C>T on the coding strand, the complement: BMP4 is on the minus strand). VCF-style: chr14-53950775-G-A. GRCh37 (hg19) VCF-style: chr14-54417493-G-A.
Other names: c.625C>T, p.Arg209Trp (NM_001347912.1); c.295C>T, p.Arg99Trp (NM_001347913.2, NM_001347915.2, NM_001347917.1); c.484C>T, p.Arg162Trp (NM_001347914.2, NM_001347916.1, NM_130850.5 and 1 more transcripts); short protein forms R162W, R209W, R99W.
Identifiers: ClinVar variation 1965934 (VCV001965934.6), dbSNP rs773416502, ClinGen allele CA7191729.